The following is an entry in ClinVar:

ClinVar aggregate classification (germline): Uncertain significance (1 of 4 stars; one submission).

Conditions:
Perlman syndrome (PRLMNS). Identifiers: Orphanet 2849, MedGen C0796113, MONDO:0009965, OMIM 267000.

Allele frequency attached by ClinVar (database versions not stated): TOPMed 0.00002.

Submission:

Labcorp Genetics (formerly Invitae), Labcorp
Classification: Uncertain significance for Perlman syndrome. Last evaluated: 2023-05-30. Review status: criteria provided, single submitter. Criteria: Invitae Variant Classification Sherloc (09022015). Collection method: clinical testing. Allele origin: germline.
Comment: In summary, the available evidence is currently insufficient to determine the role of this variant in disease. Therefore, it has been classified as a Variant of Uncertain Significance. Advanced modeling of protein sequence and biophysical properties (such as structural, functional, and spatial information, amino acid conservation, physicochemical variation, residue mobility, and thermodynamic stability) performed at Invitae indicates that this missense variant is not expected to disrupt DIS3L2 protein function. This variant has not been reported in the literature in individuals affected with DIS3L2-related conditions. This variant is not present in population databases (gnomAD no frequency). This sequence change replaces proline, which is neutral and non-polar, with serine, which is neutral and polar, at codon 360 of the DIS3L2 protein (p.Pro360Ser).

NM_152383.5(DIS3L2):c.1078C>T (p.Pro360Ser)

Gene: DIS3L2 (DIS3 like 3'-5' exoribonuclease 2; plus strand). Cytogenetic location: 2q37.1.
Variant type: single nucleotide variant.
Coding change: c.1078C>T on transcript NM_152383.5 (MANE Select); coding-DNA position 1078, C replaced by T.
Protein change: p.Pro360Ser; replaces proline 360 with serine.
Molecular consequence: missense variant. On other transcripts: non-coding transcript variant (2).
Genome position (GRCh38, 1-based): chr2:232,163,586, C>T. VCF-style: chr2-232163586-C-T. GRCh37 (hg19) VCF-style: chr2-233028296-C-T.
Other names: c.1078C>T, p.Pro360Ser (NM_001257281.2); short protein forms P360S.
Identifiers: ClinVar variation 2806029 (VCV002806029.3), dbSNP rs1369668644, ClinGen allele CA351154432.